The following is an entry in ClinVar:

NM_001191061.2(SLC25A22):c.551C>T (p.Ala184Val)

Gene: SLC25A22 (solute carrier family 25 member 22; minus strand). Cytogenetic location: 11p15.5.
Variant type: single nucleotide variant.
Coding change: c.551C>T on transcript NM_001191061.2 (MANE Select); coding-DNA position 551, C replaced by T.
Protein change: p.Ala184Val; replaces alanine 184 with valine.
Molecular consequence: missense variant.
Genome position (GRCh38, 1-based): chr11:792,589, G>A on the plus strand (C>T on the coding strand, the complement: SLC25A22 is on the minus strand). VCF-style: chr11-792589-G-A. GRCh37 (hg19) VCF-style: chr11-792589-G-A.
Other names: c.551C>T, p.Ala184Val (NM_001191060.2, NM_024698.6); short protein forms A184V.
Identifiers: ClinVar variation 2150090 (VCV002150090.4), dbSNP rs755147242, ClinGen allele CA378969587.

ClinVar aggregate classification (germline): Uncertain significance (1 of 4 stars; one submission).

Conditions:
Early-infantile DEE. Also called: Early infantile epileptic encephalopathy; Early infantile epileptic encephalopathy with suppression bursts; Ohtahara syndrome. Identifiers: Orphanet 1934, MedGen C0393706, MONDO:0800491.

Submission:

Labcorp Genetics (formerly Invitae), Labcorp
Classification: Uncertain significance for Early-infantile DEE. Last evaluated: 2022-04-10. Review status: criteria provided, single submitter. Criteria: Invitae Variant Classification Sherloc (09022015). Collection method: clinical testing. Allele origin: germline.
Comment: In summary, the available evidence is currently insufficient to determine the role of this variant in disease. Therefore, it has been classified as a Variant of Uncertain Significance. This sequence change replaces alanine, which is neutral and non-polar, with valine, which is neutral and non-polar, at codon 184 of the SLC25A22 protein (p.Ala184Val). Algorithms developed to predict the effect of missense changes on protein structure and function (SIFT, PolyPhen-2, Align-GVGD) all suggest that this variant is likely to be tolerated. This variant has not been reported in the literature in individuals affected with SLC25A22-related conditions. This variant is not present in population databases (gnomAD no frequency).